The following is an entry in ClinVar:

ClinVar aggregate classification (germline): Uncertain significance. Review status: criteria provided, multiple submitters, no conflicts (2 of 4 stars). 2 submissions from 2 submitters: Uncertain significance (2). Last evaluated 2025-08-24.

Conditions:
Inborn genetic diseases. Identifiers: MedGen C0950123, MeSH D030342.

Allele frequency attached by ClinVar (database versions not stated): TOPMed below 0.00001; ExAC 0.00001; gnomAD exomes 0.00001.
gnomAD v4.1: 5 of 1,614,256 alleles (0.00031%); highest among the groups gnomAD compares: Admixed American, 0.0017%; no homozygotes.

Submissions (2):

Ambry Genetics
Classification: Uncertain significance for Inborn genetic diseases. Last evaluated: 2025-08-24. Review status: criteria provided, single submitter. Criteria: Ambry Variant Classification Scheme 2023. Collection method: clinical testing. Allele origin: germline.

Labcorp Genetics (formerly Invitae), Labcorp
Classification: Uncertain significance. Last evaluated: 2022-06-18. Review status: criteria provided, single submitter. Criteria: Invitae Variant Classification Sherloc (09022015). Collection method: clinical testing. Allele origin: germline.
Comment: In summary, the available evidence is currently insufficient to determine the role of this variant in disease. Therefore, it has been classified as a Variant of Uncertain Significance. Algorithms developed to predict the effect of missense changes on protein structure and function (SIFT, PolyPhen-2, Align-GVGD) all suggest that this variant is likely to be tolerated. This variant has not been reported in the literature in individuals affected with EXTL3-related conditions. This variant is present in population databases (rs776636386, gnomAD 0.0009%). This sequence change replaces glutamic acid, which is acidic and polar, with lysine, which is basic and polar, at codon 75 of the EXTL3 protein (p.Glu75Lys).

NM_001440.4(EXTL3):c.223G>A (p.Glu75Lys)

Gene: EXTL3 (exostosin like glycosyltransferase 3; plus strand). Cytogenetic location: 8p21.1.
Variant type: single nucleotide variant.
Coding change: c.223G>A on transcript NM_001440.4 (MANE Select); coding-DNA position 223, G replaced by A.
Protein change: p.Glu75Lys; replaces glutamic acid 75 with lysine.
Molecular consequence: missense variant.
Genome position (GRCh38, 1-based): chr8:28,716,282, G>A. VCF-style: chr8-28716282-G-A. GRCh37 (hg19) VCF-style: chr8-28573799-G-A.
Other names: c.223G>A (NM_001440.2); short protein forms E75K.
Identifiers: ClinVar variation 1976927 (VCV001976927.6), dbSNP rs776636386, ClinGen allele CA4695958.
Genomic context (GRCh38, chr8:28,716,282, plus strand): 5'-GATGAGGCTGATGAGGCAGGCAAGCGGATTTTTGGTCCCCGGGTGGGGAACGAGCTGTGC[G>A]AGGTGAAGCACGTGCTGGATCTGTGCCGCATCCGGGAGTCGGTGAGTGAAGAGCTCCTGC-3'
Protein context (NP_001431.1, residues 65-85): FGPRVGNELC[Glu75Lys]VKHVLDLCRI